The following is an entry in ClinVar:

ClinVar aggregate classification (germline): Pathogenic (1 of 4 stars; one submission).

Conditions:
Townes syndrome (TBS). Also called: Townes-Brocks syndrome. Identifiers: Orphanet 857, MedGen C0265246, MeSH C536974, MONDO:0007142.

Submission:

Labcorp Genetics (formerly Invitae), Labcorp
Classification: Pathogenic for Townes syndrome. Last evaluated: 2023-01-15. Review status: criteria provided, single submitter. Criteria: Invitae Variant Classification Sherloc (09022015). Collection method: clinical testing. Allele origin: germline.
Comment: This sequence change creates a premature translational stop signal (p.Asn1043Ilefs*19) in the SALL1 gene. It is expected to result in an absent or disrupted protein product. Loss-of-function variants in SALL1 are known to be pathogenic (PMID: 9973281, 12915476, 16088922, 23069192). This variant is not present in population databases (gnomAD no frequency). For these reasons, this variant has been classified as Pathogenic. This variant has not been reported in the literature in individuals affected with SALL1-related conditions.

Literature cited by the submitters: PubMed 9973281; PubMed 12915476; PubMed 16088922; PubMed 23069192.

NM_002968.3(SALL1):c.3128_3129del (p.Asn1043fs)

Gene: SALL1 (spalt like transcription factor 1; minus strand). Cytogenetic location: 16q12.1.
Variant type: Deletion.
Coding change: c.3128_3129del on transcript NM_002968.3 (MANE Select); coding-DNA positions 3128 to 3129, 2 bases deleted (AT; older notation c.3128_3129delAT).
Protein change: p.Asn1043fs; shifts the reading frame from asparagine 1043.
Molecular consequence: frameshift variant.
Genome position (GRCh38, 1-based): chr16:51,139,093-51,139,094, AT deleted on the plus strand (AT on the coding strand, the reverse complement: SALL1 is on the minus strand). VCF-style (leftmost placement, unchanged base first): chr16-51139092-AAT-A. GRCh37 (hg19) VCF-style: chr16-51173003-AAT-A.
Other names: c.2837_2838del, p.Asn946fs (NM_001127892.2); short protein forms N1043fs, N946fs.
Identifiers: ClinVar variation 2828754 (VCV002828754.3), dbSNP rs2506483483, ClinGen allele CA2739266761.